The following is an entry in ClinVar:

NM_020117.11(LARS1):c.594+211TAT[2]

Gene: LARS1 (leucyl-tRNA synthetase 1; minus strand). Cytogenetic location: 5q32.
Variant type: Microsatellite.
Coding change: c.594+211TAT[2] on transcript NM_020117.11 (MANE Select); two copies in a row of the 3-base unit TAT starting at c.594+211; the reference has three copies in a row; one copy, 3 bases deleted.
Molecular consequence: intron variant.
Genome position (GRCh38, 1-based): chr5:146,164,091-146,164,093, ATA deleted on the plus strand (TAT on the coding strand, the reverse complement: LARS1 is on the minus strand); deleting any 3 consecutive bases within chr5:146,164,091-146,164,100 gives the same sequence; the position shown is the placement nearest the transcript's 3' end. VCF-style (leftmost placement, unchanged base first): chr5-146164090-GATA-G. GRCh37 (hg19) VCF-style: chr5-145543653-GATA-G.
Other names: c.432+211TAT[2] (NM_001317965.2); c.513+211TAT[2] (NM_016460.4); c.456+211TAT[2] (NM_001317964.2).
Identifiers: ClinVar variation 684223 (VCV000684223.1), dbSNP rs140492299, ClinGen allele CA128861081.
Genomic context (GRCh38, chr5:146,164,090, plus strand): 5'-GCAACCCAAAACAATTAGAATAATAACATCAAAGATCACTGAATATAGATCACCATAACA[GATA>G]ATAATAAAGTTTGAAATATTAAAATAATTGCCAAAATGTGACATGAAGTAAGCAAATGCT-3'

ClinVar aggregate classification (germline): Benign (1 of 4 stars; one submission).

Submission:

GeneDx
Classification: Benign. Last evaluated: 2018-06-14. Review status: criteria provided, single submitter. Criteria: GeneDx Variant Classification (06012015). Collection method: clinical testing. Allele origin: germline. Affected: yes.
Comment: This variant is considered likely benign or benign based on one or more of the following criteria: it is a conservative change, it occurs at a poorly conserved position in the protein, it is predicted to be benign by multiple in silico algorithms, and/or has population frequency not consistent with disease.